The following is an entry in ClinVar:

NM_001365088.1(SLC12A6):c.690+6T>A

Genes: SLC12A6 (solute carrier family 12 member 6; minus strand), LOC129390683 (MPRA-validated peak2292 silencer; plus strand). Cytogenetic location: 15q14.
Variant type: single nucleotide variant.
Coding change: c.690+6T>A on transcript NM_001365088.1 (MANE Select); 6 bases into the intron after coding-DNA position 690, T replaced by A.
Molecular consequence: intron variant.
Genome position (GRCh38, 1-based): chr15:34,257,636, A>T on the plus strand (T>A on the coding strand, the complement: SLC12A6 is on the minus strand). VCF-style: chr15-34257636-A-T. GRCh37 (hg19) VCF-style: chr15-34549837-A-T.
Other names: c.513+6T>A (NM_001042495.2, NM_001042494.2); c.663+6T>A (NM_001042496.2); c.645+6T>A (NM_001042497.2); c.690+6T>A (NM_133647.2); c.537+6T>A (NM_005135.2).
Identifiers: ClinVar variation 3366315 (VCV003366315.1).

ClinVar aggregate classification (germline): Pathogenic (1 of 4 stars; one submission).

Conditions:
Agenesis of the corpus callosum with peripheral neuropathy (ACCPN). Also called: POLYNEUROPATHY, SENSORIMOTOR, WITH OR WITHOUT AGENESIS OF THE CORPUS CALLOSUM; HMSN/ACC; CHARLEVOIX DISEASE; Hereditary Motor and Sensory Neuropathy with Agenesis of the Corpus Callosum. Identifiers: Orphanet 1496, MedGen C0795950, MONDO:0000902, OMIM 218000. Disease mechanism: loss of function.

Submission:

NYU Undiagnosed Diseases Program, NYU School of Medicine
Classification: Pathogenic for Andermann Syndrome. Last evaluated: 2024-02-10. Review status: criteria provided, single submitter. Criteria: ACMG Guidelines, 2015. Collection method: research. Allele origin: germline. Inheritance: Autosomal recessive inheritance. Affected: yes. Observed: 1 compound heterozygote.
Comment: This variant causes a splice donor loss, resulting in the skipping of exon 5 (NM_133647.2), which spans 147 base pairs at coordinates chr15:34257642-34257788. This abnormal splicing event does not cause a frameshift of the transcript. The removed exon includes a transmembrane segment, which is an important region in the SLC12A gene family (PubMed ID: 9618559). The splice site variant occurs at a highly conserved locus (UCSC Genome Browser). We classify this variant as pathogenic based on its absence from the healthy population (gnomAD v4 database), segregation with disease in an affected family, and observation of the skipped exon using RNA-sequencing. Note that this classification is based on currently unpublished RNA-sequencing research results.